The following is an entry in ClinVar:

ClinVar aggregate classification (germline): Conflicting classifications of pathogenicity. Review status: criteria provided, conflicting classifications (1 of 4 stars). 3 submissions from 3 submitters: Uncertain significance (2); Likely benign (1). Last evaluated 2024-04-11.

Conditions:
Focal segmental glomerulosclerosis 6 (FSGS6). Identifiers: Orphanet 656, MedGen C3279905, MONDO:0013589, OMIM 614131.
Inborn genetic diseases. Identifiers: MedGen C0950123, MeSH D030342.

Allele frequency attached by ClinVar (database versions not stated): ExAC 0.00002; gnomAD exomes 0.00008; gnomAD 0.00052 and 0.00056; 1000 Genomes Project 30x 0.00078; 1000 Genomes Project 0.00080; TOPMed 0.00127.
gnomAD v4.1: 145 of 1,614,216 alleles (0.009%); highest among the groups gnomAD compares: Admixed American, 0.2%; 1 homozygote.

Submissions (3):

Fulgent Genetics
Classification: Likely benign for Focal segmental glomerulosclerosis 6. Last evaluated: 2024-04-11. Review status: criteria provided, single submitter. Criteria: ACMG Guidelines, 2015. Collection method: clinical testing. Allele origin: germline.

Ambry Genetics
Classification: Uncertain significance for Inborn genetic diseases. Last evaluated: 2022-08-16. Review status: criteria provided, single submitter. Criteria: Ambry Variant Classification Scheme 2023. Collection method: clinical testing. Allele origin: germline.

Labcorp Genetics (formerly Invitae), Labcorp
Classification: Uncertain significance. Last evaluated: 2022-06-11. Review status: criteria provided, single submitter. Criteria: Invitae Variant Classification Sherloc (09022015). Collection method: clinical testing. Allele origin: germline.
Comment: This sequence change replaces arginine, which is basic and polar, with glutamine, which is neutral and polar, at codon 820 of the MYO1E protein (p.Arg820Gln). This variant is present in population databases (rs188248622, gnomAD 0.04%), including at least one homozygous and/or hemizygous individual. This variant has not been reported in the literature in individuals affected with MYO1E-related conditions. Algorithms developed to predict the effect of missense changes on protein structure and function (SIFT, PolyPhen-2, Align-GVGD) all suggest that this variant is likely to be tolerated. In summary, the available evidence is currently insufficient to determine the role of this variant in disease. Therefore, it has been classified as a Variant of Uncertain Significance.

NM_004998.4(MYO1E):c.2459G>A (p.Arg820Gln)

Gene: MYO1E (myosin IE; minus strand). Cytogenetic location: 15q22.2.
Variant type: single nucleotide variant.
Coding change: c.2459G>A on transcript NM_004998.4 (MANE Select); coding-DNA position 2459, G replaced by A.
Protein change: p.Arg820Gln; replaces arginine 820 with glutamine.
Molecular consequence: missense variant.
Genome position (GRCh38, 1-based): chr15:59,171,918, C>T on the plus strand (G>A on the coding strand, the complement: MYO1E is on the minus strand). VCF-style: chr15-59171918-C-T. GRCh37 (hg19) VCF-style: chr15-59464117-C-T.
Other names: c.2459G>A (NM_004998.2); short protein forms R820Q.
Identifiers: ClinVar variation 1404370 (VCV001404370.7), dbSNP rs188248622, ClinGen allele CA7589249.